The following is an entry in ClinVar:

ClinVar aggregate classification (germline): Uncertain significance. Review status: criteria provided, multiple submitters, no conflicts (2 of 4 stars). 2 submissions from 2 submitters: Uncertain significance (2). Last evaluated 2021-11-28.

Submissions (2):

Labcorp Genetics (formerly Invitae), Labcorp
Classification: Uncertain significance. Last evaluated: 2021-11-28. Review status: criteria provided, single submitter. Criteria: Invitae Variant Classification Sherloc (09022015). Collection method: clinical testing. Allele origin: germline.
Comment: This variant is not present in population databases (gnomAD no frequency). In summary, the available evidence is currently insufficient to determine the role of this variant in disease. Therefore, it has been classified as a Variant of Uncertain Significance. Algorithms developed to predict the effect of missense changes on protein structure and function are either unavailable or do not agree on the potential impact of this missense change (SIFT: "Not Available"; PolyPhen-2: "Probably Damaging"; Align-GVGD: "Not Available"). This variant has not been reported in the literature in individuals affected with FN1-related conditions. This sequence change replaces aspartic acid, which is acidic and polar, with asparagine, which is neutral and polar, at codon 2337 of the FN1 protein (p.Asp2337Asn).

Revvity Omics, Revvity
Classification: Uncertain significance. Last evaluated: 2019-09-19. Review status: criteria provided, single submitter. Criteria: ACMG Guidelines, 2015. Collection method: clinical testing. Allele origin: germline.

NM_212482.4(FN1):c.7009G>A (p.Asp2337Asn)

Genes: ATIC (5-aminoimidazole-4-carboxamide ribonucleotide formyltransferase/IMP cyclohydrolase; plus strand), FN1 (fibronectin 1; minus strand). Cytogenetic location: 2q35.
Variant type: single nucleotide variant.
Coding change: c.7009G>A on transcript NM_212482.4 (MANE Select); coding-DNA position 7009, G replaced by A.
Protein change: p.Asp2337Asn; replaces aspartic acid 2337 with asparagine.
Molecular consequence: missense variant.
Genome position (GRCh38, 1-based): chr2:215,367,872, C>T on the plus strand (G>A on the coding strand, the complement: FN1 is on the minus strand). VCF-style: chr2-215367872-C-T. GRCh37 (hg19) VCF-style: chr2-216232595-C-T.
Other names: c.7009G>A (NM_212482.1); c.6916G>A, p.Asp2306Asn (NM_001306129.2); c.6379G>A, p.Asp2127Asn (NM_001306130.2); c.6373G>A, p.Asp2125Asn (NM_001306131.2); c.6298G>A, p.Asp2100Asn (NM_001306132.2); c.6739G>A, p.Asp2247Asn (NM_001365517.2); c.6736G>A, p.Asp2246Asn (NM_001365518.2); c.6664G>A, p.Asp2222Asn (NM_001365519.2); and 9 more; short protein forms D2100N, D2127N, D2131N, D2156N, D2216N, D2221N, D2222N, D2306N.
Identifiers: ClinVar variation 1506205 (VCV001506205.8), dbSNP rs2106183202, ClinGen allele CA350463417.